The following is an entry in ClinVar:

ClinVar aggregate classification (germline): Uncertain significance (3 of 4 stars; one submission).

Conditions:
Monogenic diabetes. Identifiers: Orphanet 183625, MedGen C3888631, MONDO:0015967.

Submission:

ClinGen Monogenic Diabetes Variant Curation Expert Panel
Classification: Uncertain significance for Monogenic diabetes. Last evaluated: 2025-01-03. Review status: reviewed by expert panel. Criteria: ClinGen Diabetes ACMG Specifications HNF1A V2.1.0. Collection method: curation. Allele origin: germline. Inheritance: Autosomal dominant inheritance.
Comment: The c.478G>A variant in the HNF1 homeobox A gene, HNF1A, causes an amino acid change of alanine to threonine at codon 160 (p.(Ala160Thr)) of NM_000545.8. This variant is located within a conserved region of the DNA binding domain (codons 107-174 and 201-280) of HNF1A, which is defined as critical for the protein’s function by the ClinGen MDEP (PM1_Supporting). This variant is predicted to be deleterious by computational evidence, with a REVEL score of 0.912, which is greater than the MDEP VCEP threshold of 0.70 (PP3). This variant is absent from gnomAD v2.1.1 (PM2_Supporting). In summary, c.478G>A meets the criteria to be classified as a variant of uncertain significance for monogenic diabetes. ACMG/AMP criteria applied, as specified by the ClinGen MDEP (specification version 2.1.0, approved 8/11/2023): PP4_Moderate, PP3, PM1_Supporting, PM2_Supporting.

NM_000545.8(HNF1A):c.478G>A (p.Ala160Thr)

Gene: HNF1A (HNF1 homeobox A; plus strand). Cytogenetic location: 12q24.31.
Variant type: single nucleotide variant.
Coding change: c.478G>A on transcript NM_000545.8 (MANE Select); coding-DNA position 478, G replaced by A.
Protein change: p.Ala160Thr; replaces alanine 160 with threonine.
Molecular consequence: missense variant.
Genome position (GRCh38, 1-based): chr12:120,988,984, G>A. VCF-style: chr12-120988984-G-A. GRCh37 (hg19) VCF-style: chr12-121426787-G-A.
Other names: NM_001306179.2:c.478G>A; c.478G>A, p.Ala160Thr (NM_001306179.2, NM_001406915.1); short protein forms A160T.
Identifiers: ClinVar variation 3393496 (VCV003393496.1).